The following is an entry in ClinVar:

ClinVar aggregate classification (germline): Likely benign (0 of 4 stars; one submission).

Conditions:
HNF4A-related disorder. Also called: HNF4A-related condition.

gnomAD v4.1: 4 of 1,613,112 alleles (0.00025%); highest among the groups gnomAD compares: Admixed American, 0.0017%; no homozygotes.

Submission:

PreventionGenetics, part of Exact Sciences
Classification: Likely benign for HNF4A-related condition. Last evaluated: 2019-06-21. Review status: no assertion criteria provided. Collection method: clinical testing. Allele origin: germline.
Comment: This variant is classified as likely benign based on ACMG/AMP sequence variant interpretation guidelines (Richards et al. 2015 PMID: 25741868, with internal and published modifications).

NM_175914.5(HNF4A):c.852G>A (p.Gly284=)

Gene: HNF4A (hepatocyte nuclear factor 4 alpha; plus strand). Cytogenetic location: 20q13.12.
Variant type: single nucleotide variant.
Coding change: c.852G>A on transcript NM_175914.5 (MANE Select); coding-DNA position 852, G replaced by A.
Protein change: p.Gly284=; no amino-acid change (glycine 284 retained).
Molecular consequence: synonymous variant.
Genome position (GRCh38, 1-based): chr20:44,424,043, G>A. VCF-style: chr20-44424043-G-A. GRCh37 (hg19) VCF-style: chr20-43052683-G-A.
Other names: c.918G>A, p.Gly306= (NM_000457.6, NM_178849.3, NM_178850.3); c.852G>A, p.Gly284= (NM_001030003.3, NM_001030004.3); c.897G>A, p.Gly299= (NM_001258355.2); c.843G>A, p.Gly281= (NM_001287182.2, NM_001287183.2, NM_001287184.2).
Identifiers: ClinVar variation 3352138 (VCV003352138.1).
Genomic context (GRCh38, chr20:44,424,043, plus strand): 5'-TGCTGCCCTCCCTTGCCCACCCTCTTCCATTGTAGATGCCAAGGGGCTGAGCGATCCAGG[G>A]AAGATCAAGCGGCTGCGTTCCCAGGTGCAGGTGAGCTTGGAGGACTACATCAACGACCGC-3'
Protein context (NP_787110.2, residues 274-294): DPDAKGLSDP[Gly284=]KIKRLRSQVQ